The following is an entry in ClinVar:

NM_000245.4(MET):c.2927A>G (p.His976Arg)

Gene: MET (MET proto-oncogene, receptor tyrosine kinase; plus strand). Cytogenetic location: 7q31.2.
Variant type: single nucleotide variant.
Coding change: c.2927A>G on transcript NM_000245.4 (MANE Select); coding-DNA position 2927, A replaced by G.
Protein change: p.His976Arg; replaces histidine 976 with arginine.
Molecular consequence: missense variant.
Genome position (GRCh38, 1-based): chr7:116,771,888, A>G. VCF-style: chr7-116771888-A-G. GRCh37 (hg19) VCF-style: chr7-116411942-A-G.
Other names: c.2981A>G, p.His994Arg (NM_001127500.3); c.1637A>G, p.His546Arg (NM_001324402.2); short protein forms H546R, H976R, H994R.
Identifiers: ClinVar variation 1960168 (VCV001960168.7), dbSNP rs1794846997, ClinGen allele CA368987065.

ClinVar aggregate classification (germline): Uncertain significance. Review status: criteria provided, multiple submitters, no conflicts (2 of 4 stars). 2 submissions from 2 submitters: Uncertain significance (2). Last evaluated 2023-05-15.

Conditions:
Renal cell carcinoma. Identifiers: Orphanet 217071, MedGen C0007134, MeSH D002292, MONDO:0005086, HP:0005584.
Hereditary cancer-predisposing syndrome. Also called: Hereditary Cancer Syndrome; Hereditary neoplastic syndrome; Tumor predisposition; Neoplastic Syndromes, Hereditary. Identifiers: Orphanet 140162, MedGen C0027672, MeSH D009386, MONDO:0015356.

Allele frequency attached by ClinVar (database versions not stated): TOPMed below 0.00001.

Submissions (2):

Ambry Genetics
Classification: Uncertain significance for Hereditary cancer-predisposing syndrome. Last evaluated: 2023-05-15. Review status: criteria provided, single submitter. Criteria: Ambry Variant Classification Scheme 2023. Collection method: clinical testing. Allele origin: germline.
Comment: The p.H994R variant (also known as c.2981A>G), located in coding exon 13 of the MET gene, results from an A to G substitution at nucleotide position 2981. The histidine at codon 994 is replaced by arginine, an amino acid with highly similar properties. This amino acid position is conserved. In addition, the in silico prediction for this alteration is inconclusive. Since supporting evidence is limited at this time, the clinical significance of this alteration remains unclear.

Labcorp Genetics (formerly Invitae), Labcorp
Classification: Uncertain significance for Renal cell carcinoma. Last evaluated: 2022-05-11. Review status: criteria provided, single submitter. Criteria: Invitae Variant Classification Sherloc (09022015). Collection method: clinical testing. Allele origin: germline.
Comment: In summary, the available evidence is currently insufficient to determine the role of this variant in disease. Therefore, it has been classified as a Variant of Uncertain Significance. Algorithms developed to predict the effect of missense changes on protein structure and function are either unavailable or do not agree on the potential impact of this missense change (SIFT: "Deleterious"; PolyPhen-2: "Possibly Damaging"; Align-GVGD: "Class C0"). This variant has not been reported in the literature in individuals affected with MET-related conditions. This variant is not present in population databases (gnomAD no frequency). This sequence change replaces histidine, which is basic and polar, with arginine, which is basic and polar, at codon 994 of the MET protein (p.His994Arg).